The following is an entry in ClinVar:

NM_000337.6(SGCD):c.28C>T (p.His10Tyr)

Gene: SGCD (sarcoglycan delta; plus strand). Cytogenetic location: 5q33.3.
Variant type: single nucleotide variant.
Coding change: c.28C>T on transcript NM_000337.6 (MANE Select); coding-DNA position 28, C replaced by T.
Protein change: p.His10Tyr; replaces histidine 10 with tyrosine.
Molecular consequence: missense variant.
Genome position (GRCh38, 1-based): chr5:156,344,513, C>T. VCF-style: chr5-156344513-C-T. GRCh37 (hg19) VCF-style: chr5-155771523-C-T.
Other names: c.25C>T, p.His9Tyr (NM_001128209.2); c.28C>T, p.His10Tyr (NM_172244.3); short protein forms H10Y, H9Y.
Identifiers: ClinVar variation 1444818 (VCV001444818.3), dbSNP rs2127716448, ClinGen allele CA362007549.
Genomic context (GRCh38, chr5:156,344,513, plus strand): 5'-AATGTGAGTGCTTCTCTCTTGCCTCGTTTATTTCAGATGCCTCAGGAGCAGTACACTCAC[C>T]ACCGGAGCACCATGCCTGGCTCTGTGGGGCCACAGGTATACAAGGTGGGGATTTATGGCT-3'
Protein context (NP_000328.2, residues 1-20): MMPQEQYTH[His10Tyr]RSTMPGSVGP

ClinVar aggregate classification (germline): Uncertain significance (1 of 4 stars; one submission).

Conditions:
Autosomal recessive limb-girdle muscular dystrophy type 2F (LGMDR6). Also called: MUSCULAR DYSTROPHY, LIMB-GIRDLE, AUTOSOMAL RECESSIVE 6; Muscular dystrophy limb-girdle with delta-sarcoglyan deficiency. Identifiers: Orphanet 219, MedGen C1832525, MONDO:0011028, OMIM 601287. Disease mechanism: Affects gamma-sarcoglycan and also disrupts the integrity of the entire sarcoglycan complex..

Submission:

Labcorp Genetics (formerly Invitae), Labcorp
Classification: Uncertain significance for Autosomal recessive limb-girdle muscular dystrophy type 2F. Last evaluated: 2021-08-21. Review status: criteria provided, single submitter. Criteria: Invitae Variant Classification Sherloc (09022015). Collection method: clinical testing. Allele origin: germline.
Comment: This sequence change replaces histidine with tyrosine at codon 10 of the SGCD protein (p.His10Tyr). The histidine residue is weakly conserved and there is a moderate physicochemical difference between histidine and tyrosine. This variant is not present in population databases (ExAC no frequency). This variant has not been reported in the literature in individuals affected with SGCD-related conditions. Algorithms developed to predict the effect of missense changes on protein structure and function (SIFT, PolyPhen-2, Align-GVGD) all suggest that this variant is likely to be tolerated. In summary, the available evidence is currently insufficient to determine the role of this variant in disease. Therefore, it has been classified as a Variant of Uncertain Significance.